The following is an entry in ClinVar:

NM_001040142.2(SCN2A):c.1381C>T (p.Gln461Ter)

Gene: SCN2A (sodium voltage-gated channel alpha subunit 2; plus strand). Cytogenetic location: 2q24.3.
Variant type: single nucleotide variant.
Coding change: c.1381C>T on transcript NM_001040142.2 (MANE Select); coding-DNA position 1381, C replaced by T.
Protein change: p.Gln461Ter; replaces glutamine 461 with a stop codon.
Molecular consequence: nonsense.
Genome position (GRCh38, 1-based): chr2:165,314,106, C>T. VCF-style: chr2-165314106-C-T. GRCh37 (hg19) VCF-style: chr2-166170616-C-T.
Other names: c.1381C>T, p.Gln461Ter (NM_001040143.2, NM_001371246.1, NM_001371247.1 and 1 more transcripts); short protein forms Q461*.
Identifiers: ClinVar variation 4857018 (VCV004857018.1).
Genomic context (GRCh38, chr2:165,314,106, plus strand): 5'-CAGAAGGAAGCTGAATTTCAGCAGATGCTCGAACAGTTGAAAAAGCAACAAGAAGAAGCT[C>T]AGGTATAGTGAACAAGCATACGGTCCTTTGTTTTTCTTTATCTAAATTCTTTAACCTAAA-3'

ClinVar aggregate classification (germline): Likely pathogenic (1 of 4 stars; one submission).

Conditions:
Autosomal dominant non-syndromic intellectual disability. Identifiers: Orphanet 178469, MedGen C5680502, MONDO:0015802.

Submission:

Center for Human Genetics and Genomic Medicine, Uniklinik Rwth Aachen
Classification: Likely pathogenic for Autosomal dominant non-syndromic intellectual disability. Last evaluated: 2026-06-26. Review status: criteria provided, single submitter. Criteria: ACMG Guidelines, 2015. Collection method: clinical testing. Allele origin: germline. Inheritance: Autosomal dominant inheritance. Affected: yes. Observed: 1 variant allele, 1 heterozygote.
Comment: Nonsense variant with a premature stop codon. This typically leads either to premature termination of translation or to what is known as “nonsense-mediated mRNA decay.” In both cases, the protein loses its function. For the SCN2A gene, intolerance to haploinsufficiency has been described as a pathomechanism (Wolff et al., 2017) (PVS1). The variant has not yet been reported in the literature or in the ClinVar database. It has not yet been detected in the general population (gnomAD v4.1.1) as of this writing (PM2_Supporting).

Literature cited by the submitters: PubMed 28379373.